The following is an entry in ClinVar:

NM_018942.3(HMX1):c.80C>A (p.Ala27Asp)

Gene: HMX1 (H6 family homeobox 1; minus strand). Cytogenetic location: 4p16.1.
Variant type: single nucleotide variant.
Coding change: c.80C>A on transcript NM_018942.3 (MANE Select); coding-DNA position 80, C replaced by A.
Protein change: p.Ala27Asp; replaces alanine 27 with aspartic acid.
Molecular consequence: missense variant.
Genome position (GRCh38, 1-based): chr4:8,871,535, G>T on the plus strand (C>A on the coding strand, the complement: HMX1 is on the minus strand). VCF-style: chr4-8871535-G-T. GRCh37 (hg19) VCF-style: chr4-8873261-G-T.
Other names: c.80C>A, p.Ala27Asp (NM_001306142.2); c.80C>A (NM_018942.2); short protein forms A27D.
Identifiers: ClinVar variation 1946028 (VCV001946028.4), dbSNP rs959494126, ClinGen allele CA92350240.

ClinVar aggregate classification (germline): Uncertain significance. Review status: criteria provided, multiple submitters, no conflicts (2 of 4 stars). 3 submissions from 3 submitters: Uncertain significance (3). Last evaluated 2025-05-20.

Conditions:
Inborn genetic diseases. Identifiers: MedGen C0950123, MeSH D030342.

Allele frequency attached by ClinVar (database versions not stated): gnomAD 0.00002; TOPMed 0.00002.
gnomAD v4.1: 143 of 1,359,200 alleles (0.011%); highest among the groups gnomAD compares: Non-Finnish European, 0.013%; no homozygotes.

Submissions (3):

Ambry Genetics
Classification: Uncertain significance for Inborn genetic diseases. Last evaluated: 2025-05-20. Review status: criteria provided, single submitter. Criteria: Ambry Variant Classification Scheme 2023. Collection method: clinical testing. Allele origin: germline.

GeneDx
Classification: Uncertain significance. Last evaluated: 2022-09-16. Review status: criteria provided, single submitter. Criteria: GeneDx Variant Classification Process June 2021. Collection method: clinical testing. Allele origin: germline. Affected: yes.
Comment: Not observed at significant frequency in large population cohorts (gnomAD); In silico analysis supports that this missense variant has a deleterious effect on protein structure/function; Has not been previously published as pathogenic or benign to our knowledge

Labcorp Genetics (formerly Invitae), Labcorp
Classification: Uncertain significance. Last evaluated: 2022-05-17. Review status: criteria provided, single submitter. Criteria: Invitae Variant Classification Sherloc (09022015). Collection method: clinical testing. Allele origin: germline.
Comment: This sequence change replaces alanine, which is neutral and non-polar, with aspartic acid, which is acidic and polar, at codon 27 of the HMX1 protein (p.Ala27Asp). This variant is not present in population databases (gnomAD no frequency). This variant has not been reported in the literature in individuals affected with HMX1-related conditions. Algorithms developed to predict the effect of missense changes on protein structure and function are either unavailable or do not agree on the potential impact of this missense change (SIFT: "Tolerated"; PolyPhen-2: "Not Available"; Align-GVGD: "Class C0"). In summary, the available evidence is currently insufficient to determine the role of this variant in disease. Therefore, it has been classified as a Variant of Uncertain Significance.